The following is an entry in ClinVar:

ClinVar aggregate classification (germline): Uncertain significance (1 of 4 stars; one submission).

Submission:

GeneDx
Classification: Uncertain significance. Last evaluated: 2024-12-12. Review status: criteria provided, single submitter. Criteria: GeneDx Variant Classification Process June 2021. Collection method: clinical testing. Allele origin: germline. Affected: yes.
Comment: Not observed at significant frequency in large population cohorts (gnomAD); In silico analysis supports that this missense variant has a deleterious effect on protein structure/function; Has not been previously published as pathogenic or benign to our knowledge

NM_021098.3(CACNA1H):c.4798T>C (p.Tyr1600His)

Gene: CACNA1H (calcium voltage-gated channel subunit alpha1 H; plus strand). Cytogenetic location: 16p13.3.
Variant type: single nucleotide variant.
Coding change: c.4798T>C on transcript NM_021098.3 (MANE Select); coding-DNA position 4798, T replaced by C.
Protein change: p.Tyr1600His; replaces tyrosine 1600 with histidine.
Molecular consequence: missense variant.
Genome position (GRCh38, 1-based): chr16:1,213,800, T>C. VCF-style: chr16-1213800-T-C. GRCh37 (hg19) VCF-style: chr16-1263800-T-C.
Other names: c.4780T>C, p.Tyr1594His (NM_001005407.2); short protein forms Y1594H, Y1600H.
Identifiers: ClinVar variation 3902888 (VCV003902888.1).